The following is an entry in ClinVar:

ClinVar aggregate classification (germline): Uncertain significance. Review status: criteria provided, multiple submitters, no conflicts (2 of 4 stars). 2 submissions from 2 submitters: Uncertain significance (2). Last evaluated 2025-01-09.

Conditions:
Polyglucosan body myopathy type 1 (PGBM1). Also called: Polyglucosan body myopathy 1 with or without immunodeficiency; POLYGLUCOSAN BODY MYOPATHY WITHOUT IMMUNODEFICIENCY. Identifiers: Orphanet 329173, Orphanet 397937, MedGen C4014605, MONDO:0014389, OMIM 615895.

Allele frequency attached by ClinVar (database versions not stated): gnomAD 0.00001; gnomAD exomes 0.00002 and 0.00003; TOPMed 0.00002; ExAC 0.00003.
gnomAD v4.1: 37 of 1,613,910 alleles (0.0023%); highest among the groups gnomAD compares: Middle Eastern, 0.066%; no homozygotes.

Submissions (2):

Labcorp Genetics (formerly Invitae), Labcorp
Classification: Uncertain significance for Polyglucosan body myopathy type 1. Last evaluated: 2025-01-09. Review status: criteria provided, single submitter. Criteria: Invitae Variant Classification Sherloc (09022015). Collection method: clinical testing. Allele origin: germline.
Comment: This sequence change replaces threonine, which is neutral and polar, with alanine, which is neutral and non-polar, at codon 52 of the RBCK1 protein (p.Thr52Ala). This variant is present in population databases (rs755353013, gnomAD 0.01%). This variant has not been reported in the literature in individuals affected with RBCK1-related conditions. ClinVar contains an entry for this variant (Variation ID: 1045915). Invitae Evidence Modeling of protein sequence and biophysical properties (such as structural, functional, and spatial information, amino acid conservation, physicochemical variation, residue mobility, and thermodynamic stability) indicates that this missense variant is not expected to disrupt RBCK1 protein function with a negative predictive value of 80%. In summary, the available evidence is currently insufficient to determine the role of this variant in disease. Therefore, it has been classified as a Variant of Uncertain Significance.

Blueprint Genetics
Classification: Uncertain significance. Last evaluated: 2022-04-27. Review status: criteria provided, single submitter. Criteria: ACMG Guidelines, 2015. Collection method: clinical testing. Allele origin: germline.

NM_031229.4(RBCK1):c.154A>G (p.Thr52Ala)

Gene: RBCK1 (RANBP2-type and C3HC4-type zinc finger containing 1; plus strand). Cytogenetic location: 20p13.
Variant type: single nucleotide variant.
Coding change: c.154A>G on transcript NM_031229.4 (MANE Select); coding-DNA position 154, A replaced by G.
Protein change: p.Thr52Ala; replaces threonine 52 with alanine.
Molecular consequence: missense variant. On other transcripts: 5 prime UTR variant (1), non-coding transcript variant (1), intron variant (2).
Genome position (GRCh38, 1-based): chr20:410,012, A>G. VCF-style: chr20-410012-A-G. GRCh37 (hg19) VCF-style: chr20-390656-A-G.
Other names: c.-196A>G (NM_001323956.2); c.154A>G, p.Thr52Ala (NM_001323960.2); c.41+1233A>G (NM_006462.6); c.-183+1233A>G (NM_001323958.2); short protein forms T52A.
Identifiers: ClinVar variation 1045915 (VCV001045915.8), dbSNP rs755353013, ClinGen allele CA9722889.